The following is an entry in ClinVar:

ClinVar aggregate classification (germline): Uncertain significance (1 of 4 stars; one submission).

Conditions:
Hereditary cancer-predisposing syndrome. Also called: Neoplastic Syndromes, Hereditary; Tumor predisposition; Hereditary Cancer Syndrome; Hereditary neoplastic syndrome. Identifiers: Orphanet 140162, MedGen C0027672, MeSH D009386, MONDO:0015356.

Submission:

Ambry Genetics
Classification: Uncertain significance for Hereditary cancer-predisposing syndrome. Last evaluated: 2020-10-30. Review status: criteria provided, single submitter. Criteria: Ambry Variant Classification Scheme 2023. Collection method: clinical testing. Allele origin: germline.
Comment: The p.H1146Q variant (also known as c.3438T>G), located in coding exon 20 of the DICER1 gene, results from a T to G substitution at nucleotide position 3438. The histidine at codon 1146 is replaced by glutamine, an amino acid with highly similar properties. This amino acid position is well conserved in available vertebrate species. In addition, this alteration is predicted to be tolerated by in silico analysis. Since supporting evidence is limited at this time, the clinical significance of this alteration remains unclear.

NM_177438.3(DICER1):c.3438T>G (p.His1146Gln)

Gene: DICER1 (dicer 1, ribonuclease III; minus strand). Cytogenetic location: 14q32.13.
Variant type: single nucleotide variant.
Coding change: c.3438T>G on transcript NM_177438.3 (MANE Select); coding-DNA position 3438, T replaced by G.
Protein change: p.His1146Gln; replaces histidine 1146 with glutamine.
Molecular consequence: missense variant. On other transcripts: non-coding transcript variant (6).
Genome position (GRCh38, 1-based): chr14:95,103,958, A>C on the plus strand (T>G on the coding strand, the complement: DICER1 is on the minus strand). VCF-style: chr14-95103958-A-C. GRCh37 (hg19) VCF-style: chr14-95570295-A-C.
Other names: c.3438T>G, p.His1146Gln (NM_001195573.1, NM_001271282.3, NM_001291628.2 and 13 more transcripts); c.3156T>G, p.His1052Gln (NM_001395686.1); c.3033T>G, p.His1011Gln (NM_001395687.1, NM_001395688.1, NM_001395689.1 and 2 more transcripts); c.2871T>G, p.His957Gln (NM_001395691.1); c.1755T>G, p.His585Gln (NM_001395697.1); short protein forms H585Q, H1052Q, H1011Q, H1146Q, H957Q.
Identifiers: ClinVar variation 1731433 (VCV001731433.2), dbSNP rs1595367002, ClinGen allele CA390875439.